The following is an entry in ClinVar:

NM_012062.5(DNM1L):c.1007T>A (p.Leu336His)

Gene: DNM1L (dynamin 1L; plus strand). Cytogenetic location: 12p11.21.
Variant type: single nucleotide variant.
Coding change: c.1007T>A on transcript NM_012062.5 (MANE Select); coding-DNA position 1007, T replaced by A.
Protein change: p.Leu336His; replaces leucine 336 with histidine.
Molecular consequence: missense variant.
Genome position (GRCh38, 1-based): chr12:32,722,561, T>A. VCF-style: chr12-32722561-T-A. GRCh37 (hg19) VCF-style: chr12-32875495-T-A.
Other names: c.1007T>A (NM_012062.3); c.1007T>A, p.Leu336His (NM_001278463.2, NM_005690.5, NM_012063.4); c.1046T>A, p.Leu349His (NM_001278464.2, NM_001278465.2, NM_001330380.2); c.398T>A, p.Leu133His (NM_001278466.2); short protein forms L349H, L133H, L336H.
Identifiers: ClinVar variation 2739538 (VCV002739538.4), dbSNP rs2541045943, ClinGen allele CA384371125.

ClinVar aggregate classification (germline): Uncertain significance. Review status: criteria provided, multiple submitters, no conflicts (2 of 4 stars). 2 submissions from 2 submitters: Uncertain significance (2). Last evaluated 2026-02-25.

Submissions (2):

GeneDx
Classification: Uncertain significance. Last evaluated: 2026-02-25. Review status: criteria provided, single submitter. Criteria: GeneDx Variant Classification Process June 2021. Collection method: clinical testing. Allele origin: germline.
Comment: Not observed at significant frequency in large population cohorts (gnomAD); In silico analysis supports that this missense variant has a deleterious effect on protein structure/function; Has not been previously published as pathogenic or benign to our knowledge

Labcorp Genetics (formerly Invitae), Labcorp
Classification: Uncertain significance. Last evaluated: 2023-07-09. Review status: criteria provided, single submitter. Criteria: Invitae Variant Classification Sherloc (09022015). Collection method: clinical testing. Allele origin: germline.
Comment: This sequence change replaces leucine, which is neutral and non-polar, with histidine, which is basic and polar, at codon 336 of the DNM1L protein (p.Leu336His). This variant is not present in population databases (gnomAD no frequency). This variant has not been reported in the literature in individuals affected with DNM1L-related conditions. An algorithm developed to predict the effect of missense changes on protein structure and function (PolyPhen-2) suggests that this variant is likely to be disruptive. In summary, the available evidence is currently insufficient to determine the role of this variant in disease. Therefore, it has been classified as a Variant of Uncertain Significance.